The following is an entry in ClinVar:

ClinVar aggregate classification (germline): Uncertain significance. Review status: criteria provided, multiple submitters, no conflicts (2 of 4 stars). 3 submissions from 3 submitters: Uncertain significance (3). Last evaluated 2026-07-23.

Conditions:
Inborn genetic diseases. Identifiers: MedGen C0950123, MeSH D030342.

Allele frequency attached by ClinVar (database versions not stated): gnomAD exomes below 0.00001; ExAC 0.00001.
gnomAD v4.1: 2 of 1,612,564 alleles (0.00012%); highest among the groups gnomAD compares: Non-Finnish European, 0.00017%; no homozygotes.

Submissions (3):

Ambry Genetics
Classification: Uncertain significance for Inborn genetic diseases. Last evaluated: 2026-07-23. Review status: criteria provided, single submitter. Criteria: Ambry Variant Classification Scheme 2023. Collection method: clinical testing. Allele origin: germline.

Dasa
Classification: Uncertain significance. Last evaluated: 2025-07-30. Review status: criteria provided, single submitter. Criteria: DASA Assertion Criteria. Collection method: clinical testing. Allele origin: germline.
Comment: NM_001849.4(COL6A2):c.143A>T (p.Tyr48Phe) is a missense variant that results in the substitution of tyrosine with phenylalanine. This variant is rare in population databases. The currently available literature and clinical evidence are not sufficient to establish a definitive association between this variant and the reported condition. Therefore, this variant is classified as a variant of uncertain significance.

GeneDx
Classification: Uncertain significance. Last evaluated: 2019-04-11. Review status: criteria provided, single submitter. Criteria: GeneDx Variant Classification Process June 2021. Collection method: clinical testing. Allele origin: germline. Affected: yes.
Comment: Not observed at a significant frequency in large population cohorts (Lek et al., 2016); In silico analysis, which includes protein predictors and evolutionary conservation, supports that this variant does not alter protein structure/function; Has not been previously published as pathogenic or benign to our knowledge

NM_001849.4(COL6A2):c.143A>T (p.Tyr48Phe)

Gene: COL6A2 (collagen type VI alpha 2 chain; plus strand). Cytogenetic location: 21q22.3.
Variant type: single nucleotide variant.
Coding change: c.143A>T on transcript NM_001849.4 (MANE Select); coding-DNA position 143, A replaced by T.
Protein change: p.Tyr48Phe; replaces tyrosine 48 with phenylalanine.
Molecular consequence: missense variant.
Genome position (GRCh38, 1-based): chr21:46,112,006, A>T. VCF-style: chr21-46112006-A-T. GRCh37 (hg19) VCF-style: chr21-47531920-A-T.
Other names: c.143A>T, p.Tyr48Phe (NM_058174.3, NM_058175.3); short protein forms Y48F.
Identifiers: ClinVar variation 1305016 (VCV001305016.5), dbSNP rs780803351, ClinGen allele CA10071220.